The following is an entry in ClinVar:

NM_152490.5(B3GALNT2):c.1048A>C (p.Asn350His)

Gene: B3GALNT2 (beta-1,3-N-acetylgalactosaminyltransferase 2; minus strand). Cytogenetic location: 1q42.3.
Variant type: single nucleotide variant.
Coding change: c.1048A>C on transcript NM_152490.5 (MANE Select); coding-DNA position 1048, A replaced by C.
Protein change: p.Asn350His; replaces asparagine 350 with histidine.
Molecular consequence: missense variant.
Genome position (GRCh38, 1-based): chr1:235,455,662, T>G on the plus strand (A>C on the coding strand, the complement: B3GALNT2 is on the minus strand). VCF-style: chr1-235455662-T-G. GRCh37 (hg19) VCF-style: chr1-235618974-T-G.
Other names: short protein forms N350H.
Identifiers: ClinVar variation 2003575 (VCV002003575.4), dbSNP rs2527155055, ClinGen allele CA344958194.
Genomic context (GRCh38, chr1:235,455,662, plus strand): 5'-TCCTATTAAATACAGCTTCGAGGTCTATGTAACAGTCATCATCTGTCTTCAGCAACAAAT[T>G]GAAGCTCGTTGTTTCCACAGTCCTGTTGACACAAAAGGGATAAGAAAGTCAGTGCGACCA-3'
Protein context (NP_689703.1, residues 340-360): YRWTVETTSF[Asn350His]LLLKTDDDCY

ClinVar aggregate classification (germline): Uncertain significance (1 of 4 stars; one submission).

Conditions:
Muscular dystrophy-dystroglycanopathy (congenital with brain and eye anomalies), type a, 11 (MDDGA11). Also called: Muscular dystrophy-dystroglycanopathy (congenital with brain and eye anomalies, type A, 11; WALKER-WARBURG SYNDROME OR MUSCLE-EYE-BRAIN DISEASE, B3GALNT2-RELATED; Congenital muscular dystrophy-dystroglycanopathy with brain and eye anomalies, type A11. Identifiers: Orphanet 588, Orphanet 899, MedGen C3554638, MONDO:0014071, OMIM 615181.

Submission:

Labcorp Genetics (formerly Invitae), Labcorp
Classification: Uncertain significance for Muscular dystrophy-dystroglycanopathy (congenital with brain and eye anomalies), type a, 11. Last evaluated: 2022-06-08. Review status: criteria provided, single submitter. Criteria: Invitae Variant Classification Sherloc (09022015). Collection method: clinical testing. Allele origin: germline.
Comment: This sequence change replaces asparagine, which is neutral and polar, with histidine, which is basic and polar, at codon 350 of the B3GALNT2 protein (p.Asn350His). In summary, the available evidence is currently insufficient to determine the role of this variant in disease. Therefore, it has been classified as a Variant of Uncertain Significance. Algorithms developed to predict the effect of missense changes on protein structure and function (SIFT, PolyPhen-2, Align-GVGD) all suggest that this variant is likely to be tolerated. This variant has not been reported in the literature in individuals affected with B3GALNT2-related conditions. This variant is not present in population databases (gnomAD no frequency).